The following is an entry in ClinVar:

NM_020708.5(SLC12A5):c.2890G>A (p.Glu964Lys)

Gene: SLC12A5 (solute carrier family 12 member 5; plus strand). Cytogenetic location: 20q13.12.
Variant type: single nucleotide variant.
Coding change: c.2890G>A on transcript NM_020708.5 (MANE Select); coding-DNA position 2890, G replaced by A.
Protein change: p.Glu964Lys; replaces glutamic acid 964 with lysine.
Molecular consequence: missense variant.
Genome position (GRCh38, 1-based): chr20:46,056,252, G>A. VCF-style: chr20-46056252-G-A. GRCh37 (hg19) VCF-style: chr20-44684891-G-A.
Other names: c.2959G>A, p.Glu987Lys (NM_001134771.2); short protein forms E987K, E964K.
Identifiers: ClinVar variation 1967035 (VCV001967035.5), dbSNP rs1159811344, ClinGen allele CA409207492.

ClinVar aggregate classification (germline): Uncertain significance (1 of 4 stars; one submission).

Conditions:
Developmental and epileptic encephalopathy, 34 (DEE34). Also called: SLC12A5-Related Epilepsy of Infancy with Migrating Focal Seizures; Early infantile epileptic encephalopathy 34. Identifiers: Orphanet 293181, MedGen C4225257, MONDO:0014718, OMIM 616645.

Allele frequency attached by ClinVar (database versions not stated): gnomAD exomes below 0.00001.
gnomAD v4.1: 2 of 1,614,190 alleles (0.00012%); highest among the groups gnomAD compares: Middle Eastern, 0.033%; no homozygotes.

Submission:

Labcorp Genetics (formerly Invitae), Labcorp
Classification: Uncertain significance for Developmental and epileptic encephalopathy, 34. Last evaluated: 2022-09-02. Review status: criteria provided, single submitter. Criteria: Invitae Variant Classification Sherloc (09022015). Collection method: clinical testing. Allele origin: germline.
Comment: In summary, the available evidence is currently insufficient to determine the role of this variant in disease. Therefore, it has been classified as a Variant of Uncertain Significance. Advanced modeling of protein sequence and biophysical properties (such as structural, functional, and spatial information, amino acid conservation, physicochemical variation, residue mobility, and thermodynamic stability) performed at Invitae indicates that this missense variant is not expected to disrupt SLC12A5 protein function. This variant has not been reported in the literature in individuals affected with SLC12A5-related conditions. This variant is present in population databases (no rsID available, gnomAD no frequency). This sequence change replaces glutamic acid, which is acidic and polar, with lysine, which is basic and polar, at codon 964 of the SLC12A5 protein (p.Glu964Lys).